The following is an entry in ClinVar:

ClinVar aggregate classification (germline): Uncertain significance. Review status: criteria provided, multiple submitters, no conflicts (2 of 4 stars). 2 submissions from 2 submitters: Uncertain significance (2). Last evaluated 2025-06-25.

Conditions:
Familial sleep-related hypermotor epilepsy. Also called: Autosomal Dominant Sleep-Related Hypermotor (Hyperkinetic) Epilepsy. Identifiers: Orphanet 98784, MedGen C3696898, MONDO:0000030.
Inborn genetic diseases. Identifiers: MedGen C0950123, MeSH D030342.

gnomAD v4.1: 9 of 1,533,676 alleles (0.00059%); highest among the groups gnomAD compares: East Asian, 0.0024%; no homozygotes.

Submissions (2):

Ambry Genetics
Classification: Uncertain significance for Inborn genetic diseases. Last evaluated: 2025-06-25. Review status: criteria provided, single submitter. Criteria: Ambry Variant Classification Scheme 2023. Collection method: clinical testing. Allele origin: germline.

Labcorp Genetics (formerly Invitae), Labcorp
Classification: Uncertain significance. Last evaluated: 2025-04-17. Review status: criteria provided, single submitter. Criteria: Invitae Variant Classification Sherloc (09022015). Collection method: clinical testing. Allele origin: germline.
Comment: This sequence change replaces glycine, which is neutral and non-polar, with arginine, which is basic and polar, at codon 414 of the CHRNB2 protein (p.Gly414Arg). This variant is present in population databases (no rsID available, gnomAD 0.03%). This variant has not been reported in the literature in individuals affected with CHRNB2-related conditions. ClinVar contains an entry for this variant (Variation ID: 1403343). Invitae Evidence Modeling of protein sequence and biophysical properties (such as structural, functional, and spatial information, amino acid conservation, physicochemical variation, residue mobility, and thermodynamic stability) indicates that this missense variant is not expected to disrupt CHRNB2 protein function with a negative predictive value of 80%. In summary, the available evidence is currently insufficient to determine the role of this variant in disease. Therefore, it has been classified as a Variant of Uncertain Significance.

NM_000748.3(CHRNB2):c.1240G>A (p.Gly414Arg)

Gene: CHRNB2 (cholinergic receptor nicotinic beta 2 subunit; plus strand). Cytogenetic location: 1q21.3.
Variant type: single nucleotide variant.
Coding change: c.1240G>A on transcript NM_000748.3 (MANE Select); coding-DNA position 1240, G replaced by A.
Protein change: p.Gly414Arg; replaces glycine 414 with arginine.
Molecular consequence: missense variant.
Genome position (GRCh38, 1-based): chr1:154,572,063, G>A. VCF-style: chr1-154572063-G-A. GRCh37 (hg19) VCF-style: chr1-154544539-G-A.
Other names: c.1240G>A (NM_000748.2); short protein forms G414R.
Identifiers: ClinVar variation 1403343 (VCV001403343.9), dbSNP rs1024048381, ClinGen allele CA30835124.
Genomic context (GRCh38, chr1:154,572,063, plus strand): 5'-GCGTCGGTGCAGGGGTTGGCCGGGGCCTTCGGGGCTGAGCCTGCACCAGTGGCGGGCCCC[G>A]GGCGCTCAGGGGAGCCGTGTGGCTGTGGCCTCCGGGAGGCGGTGGACGGCGTGCGCTTCA-3'
Protein context (NP_000739.1, residues 404-424): GAEPAPVAGP[Gly414Arg]RSGEPCGCGL